The following is an entry in ClinVar:

ClinVar aggregate classification (germline): Uncertain significance (1 of 4 stars; one submission).

Conditions:
Inborn genetic diseases. Identifiers: MedGen C0950123, MeSH D030342.

Submission:

Ambry Genetics
Classification: Uncertain significance for Inborn genetic diseases. Last evaluated: 2022-07-02. Review status: criteria provided, single submitter. Criteria: Ambry Variant Classification Scheme 2023. Collection method: clinical testing. Allele origin: germline.
Comment: The p.L362V variant (also known as c.1084C>G), located in coding exon 9 of the EPAS1 gene, results from a C to G substitution at nucleotide position 1084. The leucine at codon 362 is replaced by valine, an amino acid with highly similar properties. This amino acid position is conserved. In addition, this alteration is predicted to be tolerated by in silico analysis. Since supporting evidence is limited at this time, the clinical significance of this alteration remains unclear.

NM_001430.5(EPAS1):c.1084C>G (p.Leu362Val)

Gene: EPAS1 (endothelial PAS domain protein 1; plus strand). Cytogenetic location: 2p21.
Variant type: single nucleotide variant.
Coding change: c.1084C>G on transcript NM_001430.5 (MANE Select); coding-DNA position 1084, C replaced by G.
Protein change: p.Leu362Val; replaces leucine 362 with valine.
Molecular consequence: missense variant.
Genome position (GRCh38, 1-based): chr2:46,376,588, C>G. VCF-style: chr2-46376588-C-G. GRCh37 (hg19) VCF-style: chr2-46603727-C-G.
Other names: short protein forms L362V.
Identifiers: ClinVar variation 1787243 (VCV001787243.2), dbSNP rs2546471313, ClinGen allele CA346703143.